The following is an entry in ClinVar:

ClinVar aggregate classification (germline): Uncertain significance (1 of 4 stars; one submission).

Allele frequency attached by ClinVar (database versions not stated): gnomAD exomes below 0.00001.
gnomAD v4.1: 2 of 1,612,924 alleles (0.00012%); highest among the groups gnomAD compares: African/African-American, 0.0013%; no homozygotes.

Submission:

Ambry Genetics
Classification: Uncertain significance. Last evaluated: 2022-10-29. Review status: criteria provided, single submitter. Criteria: Ambry Variant Classification Scheme 2023. Collection method: clinical testing. Allele origin: germline.
Comment: The p.P215T variant (also known as c.643C>A), located in coding exon 7 of the PRKDC gene, results from a C to A substitution at nucleotide position 643. The proline at codon 215 is replaced by threonine, an amino acid with highly similar properties. This amino acid position is conserved. In addition, the in silico prediction for this alteration is inconclusive. Since supporting evidence is limited at this time, the clinical significance of this alteration remains unclear.

NM_006904.7(PRKDC):c.643C>A (p.Pro215Thr)

Gene: PRKDC (protein kinase, DNA-activated, catalytic subunit; minus strand). Cytogenetic location: 8q11.21.
Variant type: single nucleotide variant.
Coding change: c.643C>A on transcript NM_006904.7 (MANE Select); coding-DNA position 643, C replaced by A.
Protein change: p.Pro215Thr; replaces proline 215 with threonine.
Molecular consequence: missense variant.
Genome position (GRCh38, 1-based): chr8:47,953,698, G>T on the plus strand (C>A on the coding strand, the complement: PRKDC is on the minus strand). VCF-style: chr8-47953698-G-T. GRCh37 (hg19) VCF-style: chr8-48866258-G-T.
Other names: c.643C>A, p.Pro215Thr (NM_001081640.2); short protein forms P215T.
Identifiers: ClinVar variation 1753524 (VCV001753524.2), dbSNP rs2090660511, ClinGen allele CA371138563.
Genomic context (GRCh38, chr8:47,953,698, plus strand): 5'-TGAAGTTGCACAGAAGTGAGGACAACCCCTTCAGACATCCTGCCAGAACAGGTAGTTTGG[G>T]CTCTCTTACTGCTGATGTCATCTAAAAGAAAAGATTTAAGAAGATGTCATTACAAGAGAA-3'
Protein context (NP_008835.5, residues 205-225): KTQMTSAVRE[Pro215Thr]KLPVLAGCLK